The following is an entry in ClinVar:

ClinVar aggregate classification (germline): Uncertain significance (1 of 4 stars; one submission).

Allele frequency attached by ClinVar (database versions not stated): gnomAD exomes below 0.00001.
gnomAD v4.1: 2 of 1,614,080 alleles (0.00012%); highest among the groups gnomAD compares: South Asian, 0.0011%; no homozygotes.

Submission:

GeneDx
Classification: Uncertain significance. Last evaluated: 2016-10-20. Review status: criteria provided, single submitter. Criteria: GeneDx Variant Classification (06012015). Collection method: clinical testing. Allele origin: germline. Affected: yes.
Comment: A variant of uncertain significance has been identified in the ANK2 gene. The T2328P variant has not been published as a pathogenic variant, nor has it been reported as a benign variant to our knowledge. The T2328P variant was not observed in approximately 6,500 individuals of European and African American ancestry in the NHLBI Exome Sequencing Project, indicating it is not a common benign variant in these populations. The T2328P variant is a non-conservative amino acid substitution, which is likely to impact secondary protein structure as these residues differ in polarity, charge, size and/or other properties. However, this substitution occurs at a position that is not conserved across species and Proline is the wild-type residue at this position in multiple species. Additionally, in silico analysis predicts this variant likely does not alter the protein structure/function.Therefore, based on the currently available information, it is unclear whether this variant is pathogenic or rare benign.

NM_001148.6(ANK2):c.6982A>C (p.Thr2328Pro)

Genes: ANK2 (ankyrin 2; plus strand), LOC126807137 (CDK7 strongly-dependent group 2 enhancer GRCh37_chr4:114276560-114277759; plus strand). Cytogenetic location: 4q26.
Variant type: single nucleotide variant.
Coding change: c.6982A>C on transcript NM_001148.6 (MANE Select); coding-DNA position 6982, A replaced by C.
Protein change: p.Thr2328Pro; replaces threonine 2328 with proline.
Molecular consequence: missense variant. On other transcripts: intron variant (68).
Genome position (GRCh38, 1-based): chr4:113,355,600, A>C. VCF-style: chr4-113355600-A-C. GRCh37 (hg19) VCF-style: chr4-114276756-A-C.
Other names: c.6748A>C, p.Thr2250Pro (NM_001386142.1); c.3382A>C, p.Thr1128Pro (NM_001386166.1); c.7123A>C, p.Thr2375Pro (NM_001386174.1); c.7099A>C, p.Thr2367Pro (NM_001386175.1); c.4412-5223A>C (NM_001386186.2, NM_001386148.2); c.4214-5223A>C (NM_001354269.3); c.4292-5223A>C (NM_001386187.2); c.4253-5223A>C (NM_001386147.1); and 35 more; short protein forms T2328P, T1128P, T2250P, T2367P, T2375P.
Identifiers: ClinVar variation 390118 (VCV000390118.2), dbSNP rs941371071, ClinGen allele CA16604667.
Genomic context (GRCh38, chr4:113,355,600, plus strand): 5'-CAGAAAGAGGCCACTCTAGGCTCTCCCAAAGACACAAGCCCTAAAAGACAAGATGATTGC[A>C]CAGGCAGCTGTAGTGTAGCATTAGCTAAAGAGACACCTACAGGACTGACTGAGGAGGCAG-3'
Protein context (NP_001139.3, residues 2318-2338): DTSPKRQDDC[Thr2328Pro]GSCSVALAKE